The following is an entry in ClinVar:

NM_199420.4(POLQ):c.740G>T (p.Cys247Phe)

Gene: POLQ (DNA polymerase theta; minus strand). Cytogenetic location: 3q13.33.
Variant type: single nucleotide variant.
Coding change: c.740G>T on transcript NM_199420.4 (MANE Select); coding-DNA position 740, G replaced by T.
Protein change: p.Cys247Phe; replaces cysteine 247 with phenylalanine.
Molecular consequence: missense variant.
Genome position (GRCh38, 1-based): chr3:121,537,100, C>A on the plus strand (G>T on the coding strand, the complement: POLQ is on the minus strand). VCF-style: chr3-121537100-C-A. GRCh37 (hg19) VCF-style: chr3-121255947-C-A.
Other names: short protein forms C247F.
Identifiers: ClinVar variation 2654065 (VCV002654065.24), dbSNP rs534872139, ClinGen allele CA2563742.

ClinVar aggregate classification (germline): Likely benign (1 of 4 stars; one submission).

Allele frequency attached by ClinVar (database versions not stated): TOPMed 0.00001; gnomAD 0.00002; ExAC 0.00015; 1000 Genomes Project 0.00040; 1000 Genomes Project 30x 0.00047.
gnomAD v4.1: 118 of 1,459,292 alleles (0.0081%); highest among the groups gnomAD compares: South Asian, 0.12%; 1 homozygote.

Submission:

CeGaT Center for Human Genetics Tuebingen
Classification: Likely benign. Last evaluated: 2025-02-01. Review status: criteria provided, single submitter. Criteria: CeGaT Center For Human Genetics Tuebingen Variant Classification Criteria Version 2. Collection method: clinical testing. Allele origin: germline. Affected: yes. Observed: 2 variant alleles.
Comment: POLQ: BP4